The following is an entry in ClinVar:

ClinVar aggregate classification (germline): Uncertain significance (1 of 4 stars; one submission).

Submission:

Labcorp Genetics (formerly Invitae), Labcorp
Classification: Uncertain significance. Last evaluated: 2024-11-25. Review status: criteria provided, single submitter. Criteria: Invitae Variant Classification Sherloc (09022015). Collection method: clinical testing. Allele origin: germline.
Comment: This sequence change replaces isoleucine, which is neutral and non-polar, with threonine, which is neutral and polar, at codon 146 of the SMAD2 protein (p.Ile146Thr). This variant is not present in population databases (gnomAD no frequency). This variant has not been reported in the literature in individuals affected with SMAD2-related conditions. Invitae Evidence Modeling of protein sequence and biophysical properties (such as structural, functional, and spatial information, amino acid conservation, physicochemical variation, residue mobility, and thermodynamic stability) indicates that this missense variant is not expected to disrupt SMAD2 protein function with a negative predictive value of 80%. In summary, the available evidence is currently insufficient to determine the role of this variant in disease. Therefore, it has been classified as a Variant of Uncertain Significance.

NM_005901.6(SMAD2):c.437T>C (p.Ile146Thr)

Gene: SMAD2 (SMAD family member 2; minus strand). Cytogenetic location: 18q21.1.
Variant type: single nucleotide variant.
Coding change: c.437T>C on transcript NM_005901.6 (MANE Select); coding-DNA position 437, T replaced by C.
Protein change: p.Ile146Thr; replaces isoleucine 146 with threonine.
Molecular consequence: missense variant.
Genome position (GRCh38, 1-based): chr18:47,869,326, A>G on the plus strand (T>C on the coding strand, the complement: SMAD2 is on the minus strand). VCF-style: chr18-47869326-A-G. GRCh37 (hg19) VCF-style: chr18-45395697-A-G.
Other names: c.437T>C, p.Ile146Thr (NM_001003652.4); c.347T>C, p.Ile116Thr (NM_001135937.3); short protein forms I116T, I146T.
Identifiers: ClinVar variation 3695622 (VCV003695622.2).